The following is an entry in ClinVar:

NM_020800.3(IFT80):c.1771A>G (p.Ile591Val)

Genes: IFT80 (intraflagellar transport 80; minus strand), TRIM59-IFT80 (TRIM59-IFT80 readthrough (NMD candidate); minus strand). Cytogenetic location: 3q25.33.
Variant type: single nucleotide variant.
Coding change: c.1771A>G on transcript NM_020800.3 (MANE Select); coding-DNA position 1771, A replaced by G.
Protein change: p.Ile591Val; replaces isoleucine 591 with valine.
Molecular consequence: missense variant. On other transcripts: non-coding transcript variant (3).
Genome position (GRCh38, 1-based): chr3:160,279,258, T>C on the plus strand (A>G on the coding strand, the complement: IFT80 is on the minus strand). VCF-style: chr3-160279258-T-C. GRCh37 (hg19) VCF-style: chr3-159997046-T-C.
Other names: c.1360A>G, p.Ile454Val (NM_001190241.2, NM_001190242.2); short protein forms I591V, I454V.
Identifiers: ClinVar variation 618688 (VCV000618688.16), dbSNP rs142518115, ClinGen allele CA2685054.

ClinVar aggregate classification (germline): Uncertain significance. Review status: criteria provided, multiple submitters, no conflicts (2 of 4 stars). 4 submissions from 4 submitters: Uncertain significance (4). Last evaluated 2024-03-27.

Conditions:
Inborn genetic diseases. Identifiers: MedGen C0950123, MeSH D030342.
Jeune thoracic dystrophy. Also called: Jeune syndrome; Infantile thoracic dystrophy; Thoracic pelvic phalangeal dystrophy; Jeune's syndrome; Chondroectodermal dysplasia-like syndrome; Short-rib thoracic dysplasia. Identifiers: Orphanet 474, MedGen C0265275, MONDO:0018770.
Asphyxiating thoracic dystrophy 2 (SRTD2). Also called: SHORT-RIB THORACIC DYSPLASIA 2 WITH OR WITHOUT POLYDACTYLY; SHORT-RIB THORACIC DYSPLASIA 2 WITH POLYDACTYLY; SHORT-RIB THORACIC DYSPLASIA 2 WITHOUT POLYDACTYLY. Identifiers: Orphanet 474, MedGen C1970005, MONDO:0012644, OMIM 611263.

Allele frequency attached by ClinVar (database versions not stated): gnomAD exomes 0.00004 and 0.00007; ExAC 0.00007; 1000 Genomes Project 0.00040; 1000 Genomes Project 30x 0.00047; gnomAD 0.00047 and 0.00051; ESP Exome Variant Server 0.00054; TOPMed 0.00057.
gnomAD v4.1: 137 of 1,613,344 alleles (0.0085%); highest among the groups gnomAD compares: African/African-American, 0.16%; no homozygotes.

Submissions (4):

Fulgent Genetics
Classification: Uncertain significance for Asphyxiating thoracic dystrophy 2. Last evaluated: 2024-03-27. Review status: criteria provided, single submitter. Criteria: ACMG Guidelines, 2015. Collection method: clinical testing. Allele origin: germline.

Labcorp Genetics (formerly Invitae), Labcorp
Classification: Uncertain significance for Jeune thoracic dystrophy. Last evaluated: 2023-12-19. Review status: criteria provided, single submitter. Criteria: Invitae Variant Classification Sherloc (09022015). Collection method: clinical testing. Allele origin: germline.
Comment: This sequence change replaces isoleucine, which is neutral and non-polar, with valine, which is neutral and non-polar, at codon 591 of the IFT80 protein (p.Ile591Val). This variant is present in population databases (rs142518115, gnomAD 0.1%). This variant has not been reported in the literature in individuals affected with IFT80-related conditions. ClinVar contains an entry for this variant (Variation ID: 618688). Advanced modeling of protein sequence and biophysical properties (such as structural, functional, and spatial information, amino acid conservation, physicochemical variation, residue mobility, and thermodynamic stability) performed at Invitae indicates that this missense variant is not expected to disrupt IFT80 protein function with a negative predictive value of 80%. In summary, the available evidence is currently insufficient to determine the role of this variant in disease. Therefore, it has been classified as a Variant of Uncertain Significance.

Ambry Genetics
Classification: Uncertain significance for Inborn genetic diseases. Last evaluated: 2022-10-03. Review status: criteria provided, single submitter. Criteria: Ambry Variant Classification Scheme 2023. Collection method: clinical testing. Allele origin: germline.

ARUP Laboratories, Molecular Genetics and Genomics, ARUP Laboratories
Classification: Uncertain significance. Last evaluated: 2017-09-19. Review status: criteria provided, single submitter. Criteria: ARUP Molecular Germline Variant Investigation Process. Collection method: clinical testing. Allele origin: germline.